The following is an entry in ClinVar:

ClinVar aggregate classification (germline): Uncertain significance (1 of 4 stars; one submission).

gnomAD v4.1: 3 of 1,210,115 alleles (0.00025%); highest among the groups gnomAD compares: Admixed American, 0.0065%; no homozygotes.

Submission:

Labcorp Genetics (formerly Invitae), Labcorp
Classification: Uncertain significance. Last evaluated: 2024-05-02. Review status: criteria provided, single submitter. Criteria: Invitae Variant Classification Sherloc (09022015). Collection method: clinical testing. Allele origin: germline.
Comment: This sequence change replaces alanine, which is neutral and non-polar, with glycine, which is neutral and non-polar, at codon 338 of the PORCN protein (p.Ala338Gly). This variant is present in population databases (rs782172331, gnomAD 0.01%). This variant has not been reported in the literature in individuals affected with PORCN-related conditions. Advanced modeling of protein sequence and biophysical properties (such as structural, functional, and spatial information, amino acid conservation, physicochemical variation, residue mobility, and thermodynamic stability) performed at Invitae indicates that this missense variant is expected to disrupt PORCN protein function with a positive predictive value of 80%. In summary, the available evidence is currently insufficient to determine the role of this variant in disease. Therefore, it has been classified as a Variant of Uncertain Significance.

NM_203475.3(PORCN):c.1013C>G (p.Ala338Gly)

Gene: PORCN (porcupine O-acyltransferase; plus strand). Cytogenetic location: Xp11.23.
Variant type: single nucleotide variant.
Coding change: c.1013C>G on transcript NM_203475.3 (MANE Select); coding-DNA position 1013, C replaced by G.
Protein change: p.Ala338Gly; replaces alanine 338 with glycine.
Molecular consequence: missense variant.
Genome position (GRCh38, 1-based): chrX:48,515,783, C>G. VCF-style: chrX-48515783-C-G. GRCh37 (hg19) VCF-style: chrX-48374171-C-G.
Other names: c.767C>G, p.Ala256Gly (NM_001282167.2); c.980C>G, p.Ala327Gly (NM_022825.4); c.998C>G, p.Ala333Gly (NM_203473.3); c.995C>G, p.Ala332Gly (NM_203474.1); short protein forms A327G, A256G, A332G, A333G, A338G.
Identifiers: ClinVar variation 3676363 (VCV003676363.2).
Genomic context (GRCh38, chrX:48,515,783, plus strand): 5'-TCAAGAATGCTCTCCGCCTGGGGACCTTCTCGGCTGTGCTGGTCACCTATGCAGCCAGCG[C>G]CCTCCTACATGTGAGCAGGGTGGAGCAGGATCAGGGTGGAAGCTGGGTGGGGGCGGGTGG-3'
Protein context (NP_982301.1, residues 328-348): SAVLVTYAAS[Ala338Gly]LLHGFSFHLA